The following is an entry in ClinVar:

ClinVar aggregate classification (germline): Uncertain significance. Review status: criteria provided, multiple submitters, no conflicts (2 of 4 stars). 3 submissions from 3 submitters: Uncertain significance (3). Last evaluated 2025-09-27.

Conditions:
Fanconi anemia (FA). Also called: Fanconi's anemia. Identifiers: Orphanet 84, MedGen C0015625, MeSH D005199, MONDO:0019391.
Inborn genetic diseases. Identifiers: MedGen C0950123, MeSH D030342.

Allele frequency attached by ClinVar (database versions not stated): TOPMed below 0.00001.

Submissions (3):

Ambry Genetics
Classification: Uncertain significance for Inborn genetic diseases. Last evaluated: 2025-09-27. Review status: criteria provided, single submitter. Criteria: Ambry Variant Classification Scheme 2023. Collection method: clinical testing. Allele origin: germline.
Comment: The p.E778A variant (also known as c.2333A>C), located in coding exon 14 of the FANCM gene, results from an A to C substitution at nucleotide position 2333. The glutamic acid at codon 778 is replaced by alanine, an amino acid with dissimilar properties. This amino acid position is conserved. In addition, this alteration is predicted to be tolerated by in silico analysis. Based on the available evidence, the clinical significance of this variant remains unclear.

Quest Diagnostics Nichols Institute San Juan Capistrano
Classification: Uncertain significance. Last evaluated: 2025-08-27. Review status: criteria provided, single submitter. Criteria: Quest Diagnostics criteria. Collection method: clinical testing. Allele origin: unknown.
Comment: The FANCM c.2333A>C (p.Glu778Ala) variant has not been reported in individuals with FANCM-related conditions in the published literature. It also has not been reported in large, multi-ethnic general populations (Genome Aggregation Database). Analysis of this variant using bioinformatics tools for the prediction of the effect of amino acid changes on protein structure and function yielded predictions that this variant is benign. Based on the available information, we are unable to determine the clinical significance of this variant.

Labcorp Genetics (formerly Invitae), Labcorp
Classification: Uncertain significance for Fanconi anemia. Last evaluated: 2024-01-19. Review status: criteria provided, single submitter. Criteria: Invitae Variant Classification Sherloc (09022015). Collection method: clinical testing. Allele origin: germline.
Comment: This sequence change replaces glutamic acid, which is acidic and polar, with alanine, which is neutral and non-polar, at codon 778 of the FANCM protein (p.Glu778Ala). This variant is not present in population databases (gnomAD no frequency). This variant has not been reported in the literature in individuals affected with FANCM-related conditions. ClinVar contains an entry for this variant (Variation ID: 1503538). An algorithm developed to predict the effect of missense changes on protein structure and function (PolyPhen-2) suggests that this variant is likely to be tolerated. In summary, the available evidence is currently insufficient to determine the role of this variant in disease. Therefore, it has been classified as a Variant of Uncertain Significance.

NM_020937.4(FANCM):c.2333A>C (p.Glu778Ala)

Gene: FANCM (FA complementation group M; plus strand). Cytogenetic location: 14q21.2.
Variant type: single nucleotide variant.
Coding change: c.2333A>C on transcript NM_020937.4 (MANE Select); coding-DNA position 2333, A replaced by C.
Protein change: p.Glu778Ala; replaces glutamic acid 778 with alanine.
Molecular consequence: missense variant.
Genome position (GRCh38, 1-based): chr14:45,175,087, A>C. VCF-style: chr14-45175087-A-C. GRCh37 (hg19) VCF-style: chr14-45644290-A-C.
Other names: c.2333A>C (NM_020937.3, NM_020937.2); c.2255A>C, p.Glu752Ala (NM_001308133.2); short protein forms E752A, E778A.
Identifiers: ClinVar variation 1503538 (VCV001503538.11), dbSNP rs1888576524, ClinGen allele CA389597411.
Genomic context (GRCh38, chr14:45,175,087, plus strand): 5'-TTGTTTTGTTTTCCTGTGGCTTTTTAAATTTTCCTTATTTATAGGGAGAATGCAGCTATG[A>C]ATTGGAAGTTGAATCTTATTTACAAATGGAAGATGTTACCTCAACATTTATTGCTCCCAG-3'
Protein context (NP_065988.1, residues 768-788): MRHEEGECSY[Glu778Ala]LEVESYLQME